The following is an entry in ClinVar:

ClinVar aggregate classification (germline): Benign (1 of 4 stars; one submission).

Allele frequency attached by ClinVar (database versions not stated): 1000 Genomes Project 0.05891; 1000 Genomes Project 30x 0.06027; TOPMed 0.08686; gnomAD 0.08855 and 0.09036; gnomAD exomes 0.10769.
gnomAD v4.1: 51,823 of 505,714 alleles (10%); highest among the groups gnomAD compares: South Asian, 15%; 3,341 homozygotes.

Submission:

GeneDx
Classification: Benign. Last evaluated: 2018-06-19. Review status: criteria provided, single submitter. Criteria: GeneDx Variant Classification (06012015). Collection method: clinical testing. Allele origin: germline. Affected: yes.
Comment: This variant is considered likely benign or benign based on one or more of the following criteria: it is a conservative change, it occurs at a poorly conserved position in the protein, it is predicted to be benign by multiple in silico algorithms, and/or has population frequency not consistent with disease.

NM_012470.4(TNPO3):c.1782+149G>T

Genes: TNPO3 (transportin 3; minus strand), LOC132090782 (Neanderthal introgressed variant-containing enhancer experimental_97543; plus strand). Cytogenetic location: 7q32.1.
Variant type: single nucleotide variant.
Coding change: c.1782+149G>T on transcript NM_012470.4 (MANE Select); 149 bases into the intron after coding-DNA position 1782, G replaced by T.
Molecular consequence: intron variant.
Genome position (GRCh38, 1-based): chr7:128,984,019, C>A on the plus strand (G>T on the coding strand, the complement: TNPO3 is on the minus strand). VCF-style: chr7-128984019-C-A. GRCh37 (hg19) VCF-style: chr7-128624073-C-A.
Other names: c.1638+149G>T (NM_001382221.1); c.1635+149G>T (NM_001382222.1); c.1674+149G>T (NM_001382219.1); c.1590+149G>T (NM_001382223.1, NM_001191028.3); c.1782+149G>T (NM_001382220.1, NM_001382218.1); c.1884+149G>T (NM_001382216.1); c.1863+149G>T (NM_001382217.1).
Identifiers: ClinVar variation 670780 (VCV000670780.1), dbSNP rs12534421, ClinGen allele CA166213415.